The following is an entry in ClinVar:

ClinVar aggregate classification (germline): Benign/Likely benign. Review status: criteria provided, multiple submitters, no conflicts (2 of 4 stars). 6 submissions from 6 submitters: Benign (3); Likely benign (2). 1 of the submissions does not count toward it. Last evaluated 2025-12-30.

Conditions:
SCN2A-related disorder. Also called: SCN2A-related condition; SCN2A-related disorders. Identifiers: MedGen CN382226, MONDO:1060245.
Inborn genetic diseases. Identifiers: MedGen C0950123, MeSH D030342.
Seizures, benign familial infantile, 3 (BFIS3). Also called: Familial neonatal seizures; CONVULSIONS, BENIGN FAMILIAL INFANTILE, 3. Identifiers: Orphanet 140927, Orphanet 306, MedGen C1843140, MONDO:0011904, OMIM 607745.
Developmental and epileptic encephalopathy, 11 (DEE11). Also called: Early infantile epileptic encephalopathy 11. Identifiers: Orphanet 1934, MedGen C3150987, MONDO:0013388, OMIM 613721.

Allele frequency attached by ClinVar (database versions not stated): gnomAD exomes 0.00008 and 0.00016; ExAC 0.00017; 1000 Genomes Project 30x 0.00031; 1000 Genomes Project 0.00040; gnomAD 0.00064 and 0.00069; TOPMed 0.00076; ESP Exome Variant Server 0.00100.
gnomAD v4.1: 221 of 1,613,902 alleles (0.014%); highest among the groups gnomAD compares: African/African-American, 0.25%; 2 homozygotes.

Submissions (6):

Labcorp Genetics (formerly Invitae), Labcorp
Classification: Benign for Seizures, benign familial infantile, 3; Developmental and epileptic encephalopathy, 11. Last evaluated: 2025-12-30. Review status: criteria provided, single submitter. Criteria: Invitae Variant Classification Sherloc (09022015). Collection method: clinical testing. Allele origin: germline.

Blueprint Genetics
Classification: Likely benign. Last evaluated: 2024-10-02. Review status: criteria provided, single submitter. Criteria: ACMG Guidelines, 2015. Collection method: clinical testing. Allele origin: germline.

Ambry Genetics
Classification: Likely benign for Inborn genetic diseases. Last evaluated: 2017-07-07. Review status: criteria provided, single submitter. Criteria: Ambry Variant Classification Scheme 2023. Collection method: clinical testing. Allele origin: germline.

Genetic Services Laboratory, University of Chicago
Classification: Benign. Last evaluated: 2017-01-19. Review status: criteria provided, single submitter. Criteria: ACMG Guidelines, 2015. Collection method: clinical testing. Allele origin: germline. Affected: no.

GeneDx
Classification: Benign. Last evaluated: 2013-07-25. Review status: criteria provided, single submitter. Criteria: GeneDx Variant Classification (06012015). Collection method: clinical testing. Allele origin: germline. Affected: yes.
Comment: This variant is considered likely benign or benign based on one or more of the following criteria: it is a conservative change, it occurs at a poorly conserved position in the protein, it is predicted to be benign by multiple in silico algorithms, and/or has population frequency not consistent with disease.

PreventionGenetics, part of Exact Sciences
Classification: Likely benign for SCN2A-related condition. Last evaluated: 2019-06-26. Review status: no assertion criteria provided. Collection method: clinical testing. Allele origin: germline. Not counted in ClinVar's aggregate classification.
Comment: This variant is classified as likely benign based on ACMG/AMP sequence variant interpretation guidelines (Richards et al. 2015 PMID: 25741868, with internal and published modifications).

NM_001040142.2(SCN2A):c.5757C>T (p.Tyr1919=)

Gene: SCN2A (sodium voltage-gated channel alpha subunit 2; plus strand). Cytogenetic location: 2q24.3.
Variant type: single nucleotide variant.
Coding change: c.5757C>T on transcript NM_001040142.2 (MANE Select); coding-DNA position 5757, C replaced by T.
Protein change: p.Tyr1919=; no amino-acid change (tyrosine 1919 retained).
Molecular consequence: synonymous variant.
Genome position (GRCh38, 1-based): chr2:165,389,563, C>T. VCF-style: chr2-165389563-C-T. GRCh37 (hg19) VCF-style: chr2-166246073-C-T.
Other names: p.Y1919Y:TAC>TAT; c.5757C>T, p.Tyr1919= (NM_001040143.2, NM_001371246.1, NM_001371247.1 and 1 more transcripts).
Identifiers: ClinVar variation 139021 (VCV000139021.21), dbSNP rs140417984, ClinGen allele CA293266.
Genomic context (GRCh38, chr2:165,389,563, plus strand): 5'-GTTGAAACGCAAACAAGAGGAGGTGTCTGCTATTATTATCCAGAGGGCTTACAGACGCTA[C>T]CTCTTGAAGCAAAAAGTTAAAAAGGTATCAAGTATATACAAGAAAGACAAAGGCAAAGAA-3'
Protein context (NP_001035232.1, residues 1909-1929): AIIIQRAYRR[Tyr1919=]LLKQKVKKVS